The following is an entry in ClinVar:

NM_001378120.1(MBD5):c.4931A>T (p.Asn1644Ile)

Gene: MBD5 (methyl-CpG binding domain protein 5; plus strand). Cytogenetic location: 2q23.1.
Variant type: single nucleotide variant.
Coding change: c.4931A>T on transcript NM_001378120.1 (MANE Select); coding-DNA position 4931, A replaced by T.
Protein change: p.Asn1644Ile; replaces asparagine 1644 with isoleucine.
Molecular consequence: missense variant.
Genome position (GRCh38, 1-based): chr2:148,490,563, A>T. VCF-style: chr2-148490563-A-T. GRCh37 (hg19) VCF-style: chr2-149248132-A-T.
Other names: c.4232A>T, p.Asn1411Ile (NM_018328.5); short protein forms N1411I, N1644I.
Identifiers: ClinVar variation 2810108 (VCV002810108.3), dbSNP rs1421380540, ClinGen allele CA348732052.
Genomic context (GRCh38, chr2:148,490,563, plus strand): 5'-GCCAAATCAAAGGACTGACTTCCTGGCCTGGAAAATTAGTAAGAGAAGACGACGTTCACA[A>T]TTCATGTCAACAAAGCCCCGAGGAAGGGAAGGTATACCAATCTTTATCCATTGTCAAATA-3'
Protein context (NP_001365049.1, residues 1634-1654): GKLVREDDVH[Asn1644Ile]SCQQSPEEGK

ClinVar aggregate classification (germline): Uncertain significance (1 of 4 stars; one submission).

Conditions:
Intellectual developmental disorder, autosomal dominant 1. Also called: MBD5 Haploinsufficiency; Intellectual disability, autosomal dominant 1. Identifiers: Orphanet 228402, MedGen C1969562, MONDO:0007974, OMIM 156200.

Submission:

Labcorp Genetics (formerly Invitae), Labcorp
Classification: Uncertain significance for Intellectual developmental disorder, autosomal dominant 1. Last evaluated: 2022-10-27. Review status: criteria provided, single submitter. Criteria: Invitae Variant Classification Sherloc (09022015). Collection method: clinical testing. Allele origin: germline.
Comment: In summary, the available evidence is currently insufficient to determine the role of this variant in disease. Therefore, it has been classified as a Variant of Uncertain Significance. Algorithms developed to predict the effect of missense changes on protein structure and function are either unavailable or do not agree on the potential impact of this missense change (SIFT: "Deleterious"; PolyPhen-2: "Not Available"; Align-GVGD: "Class C65"). This variant has not been reported in the literature in individuals affected with MBD5-related conditions. This variant is not present in population databases (gnomAD no frequency). This sequence change replaces asparagine, which is neutral and polar, with isoleucine, which is neutral and non-polar, at codon 1411 of the MBD5 protein (p.Asn1411Ile).